The following is an entry in ClinVar:

ClinVar aggregate classification (germline): Likely pathogenic. Review status: reviewed by expert panel (3 of 4 stars). 4 submissions from 4 submitters: Likely pathogenic (1). 3 of the submissions do not count toward it. Last evaluated 2025-11-11.

Conditions:
ATM-related cancer predisposition. Also called: ATM-related cancer susceptibility. Identifiers: MedGen CN377759, MONDO:0700270.
Hereditary cancer-predisposing syndrome. Also called: Neoplastic Syndromes, Hereditary; Tumor predisposition; Hereditary Cancer Syndrome; Hereditary neoplastic syndrome. Identifiers: Orphanet 140162, MedGen C0027672, MeSH D009386, MONDO:0015356.
Ataxia-telangiectasia syndrome (AT). Also called: Ataxia telangiectasia (A-T); ATAXIA-TELANGIECTASIA, COMPLEMENTATION GROUP A; ATAXIA-TELANGIECTASIA, FRESNO VARIANT; Ataxia-telangiectasia; Ataxia-telangiectasia, complementation group E; LOUIS-BAR SYNDROME. Identifiers: Orphanet 100, MedGen C0004135, MONDO:0008840, OMIM 208900.

Submissions (4):

ClinGen Hereditary Breast, Ovarian and Pancreatic Cancer Variant Curation Expert Panel, ClinGen
Classification: Likely pathogenic for ATM-related cancer predisposition. Last evaluated: 2025-11-11. Review status: reviewed by expert panel. Criteria: ClinGen HBOP ACMG Specifications ATM V1.4.0. Collection method: curation. Allele origin: germline. Inheritance: Autosomal dominant inheritance.
Comment: The c.8161G>A variant in ATM is a missense variant predicted to cause substitution of aspartic acid to asparagine at amino acid 2721 (p.Asp2721Asn). This variant has been detected in at least two unrelated individuals with Ataxia-Telangiectasia (PMID: 21665257, 25122203). The variant has been reported to segregate with Ataxia-Telangiectasia in two affected family members from one family (PMID: 25122203). This variant is absent from gnomAD v4.1.0. The computational predictor REVEL gives a score of 0.957, which is above the threshold of 0.7333, evidence that correlates with impact to ATM function. In summary, this variant meets the criteria to be classified as likely pathogenic for autosomal dominant ATM-related cancer predisposition and autosomal recessive Ataxia-Telangiectasia based on the ACMG/AMP criteria applied as specified by the HBOP VCEP. (PM3_Strong, PP1, PP3, PM2_Supporting)

Ambry Genetics
Classification: Likely pathogenic for Hereditary cancer-predisposing syndrome. Last evaluated: 2026-02-11. Review status: criteria provided, single submitter. Criteria: Ambry Variant Classification Scheme 2023. Collection method: clinical testing. Allele origin: germline. Not counted in ClinVar's aggregate classification.
Comment: The p.D2721N variant (also known as c.8161G>A), located in coding exon 55 of the ATM gene, results from a G to A substitution at nucleotide position 8161. The aspartic acid at codon 2721 is replaced by asparagine, an amino acid with highly similar properties. This variant has been identified in the homozygous state and/or in conjunction with other ATM variant(s) in individual(s) who met clinical criteria for ataxia telangiectasia (M&eacute;neret A et al. Neurology, 2014 Sep;83:1087-95). This amino acid position is highly conserved in available vertebrate species. In addition, the in silico prediction for this alteration is inconclusive. Based on the majority of available evidence to date, this variant is likely to be pathogenic.

Labcorp Genetics (formerly Invitae), Labcorp
Classification: Uncertain significance for Ataxia-telangiectasia syndrome. Last evaluated: 2025-03-18. Review status: criteria provided, single submitter. Criteria: Invitae Variant Classification Sherloc (09022015). Collection method: clinical testing. Allele origin: germline. Not counted in ClinVar's aggregate classification.
Comment: This sequence change replaces aspartic acid, which is acidic and polar, with asparagine, which is neutral and polar, at codon 2721 of the ATM protein (p.Asp2721Asn). This variant is not present in population databases (gnomAD no frequency). This missense change has been observed in individual(s) with ataxia telangiectasia and/or clinical features of ataxia-telangiectasia (PMID: 21665257, 25122203, 29906526). ClinVar contains an entry for this variant (Variation ID: 1054111). Invitae Evidence Modeling of protein sequence and biophysical properties (such as structural, functional, and spatial information, amino acid conservation, physicochemical variation, residue mobility, and thermodynamic stability) indicates that this missense variant is expected to disrupt ATM protein function with a positive predictive value of 95%. In summary, the available evidence is currently insufficient to determine the role of this variant in disease. Therefore, it has been classified as a Variant of Uncertain Significance.

Genetic Services Laboratory, University of Chicago
Classification: Uncertain significance. Last evaluated: 2020-09-15. Review status: criteria provided, single submitter. Criteria: ACMG Guidelines, 2015. Collection method: clinical testing. Allele origin: germline. Affected: no. Not counted in ClinVar's aggregate classification.
Comment: DNA sequence analysis of the ATM gene demonstrated a sequence change, c.8161G>A, in exon 56 that results in an amino acid change, p.Asp2721Asn. This sequence change has not been described in population databases (gnomAD, ExAC) and has been reported in an individual with ataxia-telangiectasia, however zygosity was not specified (PMID: 21665257). The p.Asp2721Asn change affects a highly conserved amino acid residue located in a domain of the ATM protein that is known to be functional. The p.Asp2721Asn substitution appears to be deleterious using several in-silico pathogenicity prediction tools (SIFT, PolyPhen2, Align GVGD, REVEL). Due to the lack of functional studies, the clinical significance of the p.Asp2721Asn change remains unknown at this time.

Literature cited by the submitters: PubMed 25122203 (cited by Ambry Genetics and Labcorp Genetics (formerly Invitae), Labcorp); PubMed 21665257 (cited by Labcorp Genetics (formerly Invitae), Labcorp); PubMed 29906526 (cited by Labcorp Genetics (formerly Invitae), Labcorp).

NM_000051.4(ATM):c.8161G>A (p.Asp2721Asn)

Genes: ATM (ATM serine/threonine kinase; plus strand), C11orf65 (chromosome 11 open reading frame 65; minus strand). Cytogenetic location: 11q22.3.
Variant type: single nucleotide variant.
Coding change: c.8161G>A on transcript NM_000051.4 (MANE Select); coding-DNA position 8161, G replaced by A.
Protein change: p.Asp2721Asn; replaces aspartic acid 2721 with asparagine.
Molecular consequence: missense variant. On other transcripts: intron variant (2).
Genome position (GRCh38, 1-based): chr11:108,335,854, G>A. VCF-style: chr11-108335854-G-A. GRCh37 (hg19) VCF-style: chr11-108206581-G-A.
Other names: NM_000051.4(ATM):c.8161G>A; p.Asp2721Asn; c.8161G>A, p.Asp2721Asn (NM_001351834.2); c.641-26783C>T (NM_001330368.2); c.695-562C>T (NM_001351110.2); short protein forms D2721N.
Identifiers: ClinVar variation 1054111 (VCV001054111.17), dbSNP rs876659066, ClinGen allele CA382562473.